The following is an entry in ClinVar:

ClinVar aggregate classification (germline): Uncertain significance (1 of 4 stars; one submission).

Conditions:
Inborn genetic diseases. Identifiers: MedGen C0950123, MeSH D030342.

Submission:

Ambry Genetics
Classification: Uncertain significance for Inborn genetic diseases. Last evaluated: 2025-10-23. Review status: criteria provided, single submitter. Criteria: Ambry Variant Classification Scheme 2023. Collection method: clinical testing. Allele origin: germline.
Comment: The p.N720S variant (also known as c.2159A>G), located in coding exon 15 of the LTBP3 gene, results from an A to G substitution at nucleotide position 2159. The asparagine at codon 720 is replaced by serine, an amino acid with highly similar properties. This amino acid position is conserved. In addition, the in silico prediction for this alteration is inconclusive. Based on the available evidence, the clinical significance of this variant remains unclear.

NM_001130144.3(LTBP3):c.2159A>G (p.Asn720Ser)

Genes: LTBP3 (latent transforming growth factor beta binding protein 3; minus strand), LOC130006030 (ATAC-STARR-seq lymphoblastoid silent region 3533; plus strand). Cytogenetic location: 11q13.1.
Variant type: single nucleotide variant.
Coding change: c.2159A>G on transcript NM_001130144.3 (MANE Select); coding-DNA position 2159, A replaced by G.
Protein change: p.Asn720Ser; replaces asparagine 720 with serine.
Molecular consequence: missense variant.
Genome position (GRCh38, 1-based): chr11:65,546,869, T>C on the plus strand (A>G on the coding strand, the complement: LTBP3 is on the minus strand). VCF-style: chr11-65546869-T-C. GRCh37 (hg19) VCF-style: chr11-65314340-T-C.
Other names: c.1808A>G, p.Asn603Ser (NM_001164266.1); c.2159A>G, p.Asn720Ser (NM_021070.4); short protein forms N603S, N720S.
Identifiers: ClinVar variation 4623997 (VCV004623997.1).
Genomic context (GRCh38, chr11:65,546,869, plus strand): 5'-CCGCCCCCCTGGCTGCGGTAGCCAGGCTGACAGGCGATGCACTTGAAGCTCCCGGGCTTG[T>C]TCTCGCATTTGCCATCCGGGCAAGAGCTTGGGTCCCGGCACTCGTCGATGTCTGCACGGG-3'
Protein context (NP_001123616.1, residues 710-730): PSSCPDGKCE[Asn720Ser]KPGSFKCIAC